The following is an entry in ClinVar:

NM_080473.5(GATA5):c.515C>A (p.Pro172His)

Gene: GATA5 (GATA binding protein 5; minus strand). Cytogenetic location: 20q13.33.
Variant type: single nucleotide variant.
Coding change: c.515C>A on transcript NM_080473.5 (MANE Select); coding-DNA position 515, C replaced by A.
Protein change: p.Pro172His; replaces proline 172 with histidine.
Molecular consequence: missense variant.
Genome position (GRCh38, 1-based): chr20:62,475,007, G>T on the plus strand (C>A on the coding strand, the complement: GATA5 is on the minus strand). VCF-style: chr20-62475007-G-T. GRCh37 (hg19) VCF-style: chr20-61050063-G-T.
Other names: c.515C>A (NM_080473.4); short protein forms P172H.
Identifiers: ClinVar variation 2713489 (VCV002713489.4), dbSNP rs1555896954, ClinGen allele CA409556207.
Genomic context (GRCh38, chr20:62,475,007, plus strand): 5'-ACCCGGATTCGGCCGCTCCTGGGCCCCGAGACTGTGGAGCCCCCGCACTCACCGAAGGTG[G>T]GCCTGCGGCCTGGGAGGCCGTGCAGGACGCTGCCATCGAAGGGCCCGGCAGTCCAGGACT-3'
Protein context (NP_536721.1, residues 162-182): SVLHGLPGRR[Pro172His]TFVSDFLEEF

ClinVar aggregate classification (germline): Uncertain significance. Review status: criteria provided, multiple submitters, no conflicts (2 of 4 stars). 2 submissions from 2 submitters: Uncertain significance (2). Last evaluated 2025-01-17.

Submissions (2):

Ambry Genetics
Classification: Uncertain significance. Last evaluated: 2025-01-17. Review status: criteria provided, single submitter. Criteria: Ambry Variant Classification Scheme 2023. Collection method: clinical testing. Allele origin: germline.

Labcorp Genetics (formerly Invitae), Labcorp
Classification: Uncertain significance. Last evaluated: 2023-06-27. Review status: criteria provided, single submitter. Criteria: Invitae Variant Classification Sherloc (09022015). Collection method: clinical testing. Allele origin: germline.
Comment: The frequency data for this variant in the population databases is considered unreliable, as metrics indicate poor data quality at this position in the gnomAD database. This sequence change replaces proline, which is neutral and non-polar, with histidine, which is basic and polar, at codon 172 of the GATA5 protein (p.Pro172His). This variant has not been reported in the literature in individuals affected with GATA5-related conditions. Advanced modeling of protein sequence and biophysical properties (such as structural, functional, and spatial information, amino acid conservation, physicochemical variation, residue mobility, and thermodynamic stability) performed at Invitae indicates that this missense variant is not expected to disrupt GATA5 protein function. In summary, the available evidence is currently insufficient to determine the role of this variant in disease. Therefore, it has been classified as a Variant of Uncertain Significance.